The following is an entry in ClinVar:

NM_004370.6(COL12A1):c.3829C>T (p.Leu1277Phe)

Gene: COL12A1 (collagen type XII alpha 1 chain; minus strand). Cytogenetic location: 6q13.
Variant type: single nucleotide variant.
Coding change: c.3829C>T on transcript NM_004370.6 (MANE Select); coding-DNA position 3829, C replaced by T.
Protein change: p.Leu1277Phe; replaces leucine 1277 with phenylalanine.
Molecular consequence: missense variant.
Genome position (GRCh38, 1-based): chr6:75,152,137, G>A on the plus strand (C>T on the coding strand, the complement: COL12A1 is on the minus strand). VCF-style: chr6-75152137-G-A. GRCh37 (hg19) VCF-style: chr6-75861853-G-A.
Other names: c.337C>T, p.Leu113Phe (NM_080645.3); short protein forms L1277F, L113F.
Identifiers: ClinVar variation 2060887 (VCV002060887.4), dbSNP rs2533400289, ClinGen allele CA364748933.

ClinVar aggregate classification (germline): Uncertain significance (1 of 4 stars; one submission).

Conditions:
Bethlem myopathy 2 (BTHLM2). Identifiers: Orphanet 536516, Orphanet 610, MedGen C4225313, MONDO:0034022, OMIM 616471.
Ullrich congenital muscular dystrophy 2 (UCMD2). Identifiers: Orphanet 75840, MedGen C4225314, MONDO:0014654, OMIM 616470.

Submission:

Labcorp Genetics (formerly Invitae), Labcorp
Classification: Uncertain significance for Bethlem myopathy 2; Ullrich congenital muscular dystrophy 2. Last evaluated: 2021-12-25. Review status: criteria provided, single submitter. Criteria: Invitae Variant Classification Sherloc (09022015). Collection method: clinical testing. Allele origin: germline.
Comment: In summary, the available evidence is currently insufficient to determine the role of this variant in disease. Therefore, it has been classified as a Variant of Uncertain Significance. Algorithms developed to predict the effect of missense changes on protein structure and function are either unavailable or do not agree on the potential impact of this missense change (SIFT: "Deleterious"; PolyPhen-2: "Probably Damaging"; Align-GVGD: "Class C0"). This variant has not been reported in the literature in individuals affected with COL12A1-related conditions. This variant is not present in population databases (gnomAD no frequency). This sequence change replaces leucine, which is neutral and non-polar, with phenylalanine, which is neutral and non-polar, at codon 1277 of the COL12A1 protein (p.Leu1277Phe).